The following is an entry in ClinVar:

NM_012433.4(SF3B1):c.617A>G (p.Gln206Arg)

Gene: SF3B1 (splicing factor 3b subunit 1; minus strand). Cytogenetic location: 2q33.1.
Variant type: single nucleotide variant.
Coding change: c.617A>G on transcript NM_012433.4 (MANE Select); coding-DNA position 617, A replaced by G.
Protein change: p.Gln206Arg; replaces glutamine 206 with arginine.
Molecular consequence: missense variant.
Genome position (GRCh38, 1-based): chr2:197,416,790, T>C on the plus strand (A>G on the coding strand, the complement: SF3B1 is on the minus strand). VCF-style: chr2-197416790-T-C. GRCh37 (hg19) VCF-style: chr2-198281514-T-C.
Other names: short protein forms Q206R.
Identifiers: ClinVar variation 5017947 (VCV005017947.1).

ClinVar aggregate classification (germline): Uncertain significance (1 of 4 stars; one submission).

Submission:

GeneDx
Classification: Uncertain significance. Last evaluated: 2026-04-03. Review status: criteria provided, single submitter. Criteria: GeneDx Variant Classification Process June 2021. Collection method: clinical testing. Allele origin: germline.
Comment: Not observed at significant frequency in large population cohorts (gnomAD); In silico analysis suggests that this missense variant does not alter protein structure/function; Has not been previously published as pathogenic or benign to our knowledge